The following is an entry in ClinVar:

NM_022437.3(ABCG8):c.1408A>G (p.Lys470Glu)

Gene: ABCG8 (ATP binding cassette subfamily G member 8; plus strand). Cytogenetic location: 2p21.
Variant type: single nucleotide variant.
Coding change: c.1408A>G on transcript NM_022437.3 (MANE Select); coding-DNA position 1408, A replaced by G.
Protein change: p.Lys470Glu; replaces lysine 470 with glutamic acid.
Molecular consequence: missense variant.
Genome position (GRCh38, 1-based): chr2:43,873,983, A>G. VCF-style: chr2-43873983-A-G. GRCh37 (hg19) VCF-style: chr2-44101122-A-G.
Other names: c.1405A>G, p.Lys469Glu (NM_001357321.2); short protein forms K470E, K469E.
Identifiers: ClinVar variation 4613347 (VCV004613347.1).

ClinVar aggregate classification (germline): Uncertain significance (1 of 4 stars; one submission).

Conditions:
Cardiovascular phenotype. Identifiers: MedGen CN230736.

Submission:

Ambry Genetics
Classification: Uncertain significance for Cardiovascular phenotype. Last evaluated: 2025-10-23. Review status: criteria provided, single submitter. Criteria: Ambry Variant Classification Scheme 2023. Collection method: clinical testing. Allele origin: germline.
Comment: The p.K470E variant (also known as c.1408A>G), located in coding exon 9 of the ABCG8 gene, results from an A to G substitution at nucleotide position 1408. The lysine at codon 470 is replaced by glutamic acid, an amino acid with similar properties. This amino acid position is conserved. In addition, this alteration is predicted to be deleterious by in silico analysis. Based on the available evidence, the clinical significance of this variant remains unclear.